The following is an entry in ClinVar:

NM_058216.3(RAD51C):c.7G>C (p.Gly3Arg)

Gene: RAD51C (RAD51 paralog C; plus strand). Cytogenetic location: 17q22.
Variant type: single nucleotide variant.
Coding change: c.7G>C on transcript NM_058216.3 (MANE Select); coding-DNA position 7, G replaced by C.
Protein change: p.Gly3Arg; replaces glycine 3 with arginine.
Molecular consequence: missense variant. On other transcripts: non-coding transcript variant (2).
Genome position (GRCh38, 1-based): chr17:58,692,650, G>C. VCF-style: chr17-58692650-G-C. GRCh37 (hg19) VCF-style: chr17-56770011-G-C.
Other names: c.7G>C (NM_058216.1); c.7G>C, p.Gly3Arg (NM_002876.4); short protein forms G3R.
Identifiers: ClinVar variation 926172 (VCV000926172.7), dbSNP rs376403182, ClinGen allele CA400336093.
Genomic context (GRCh38, chr17:58,692,650, plus strand): 5'-CCCAGCGAGGGCGTGCGGAGTTTGGCTGCTCCGGGGTTAGCAGGTGAGCCTGCGATGCGC[G>C]GGAAGACGTTCCGCTTTGAAATGCAGCGGGATTTGGTGAGTTTCCCGCTGTCTCCAGCGG-3'
Protein context (NP_478123.1, residues 1-13): MR[Gly3Arg]KTFRFEMQRD

ClinVar aggregate classification (germline): Conflicting classifications of pathogenicity. Review status: criteria provided, conflicting classifications (1 of 4 stars). 3 submissions from 3 submitters: Uncertain significance (2); Benign (1). Last evaluated 2024-12-20.

Conditions:
Hereditary cancer-predisposing syndrome. Also called: Tumor predisposition; Hereditary neoplastic syndrome; Neoplastic Syndromes, Hereditary; Hereditary Cancer Syndrome. Identifiers: Orphanet 140162, MedGen C0027672, MeSH D009386, MONDO:0015356.
Fanconi anemia complementation group O. Also called: RAD51C-Related Fanconi Anemia. Identifiers: Orphanet 84, MedGen C3150653, MONDO:0013248, OMIM 613390.

Submissions (3):

Ambry Genetics
Classification: Benign for Hereditary cancer-predisposing syndrome. Last evaluated: 2024-12-20. Review status: criteria provided, single submitter. Criteria: Ambry Variant Classification Scheme 2023. Collection method: clinical testing. Allele origin: germline.

Labcorp Genetics (formerly Invitae), Labcorp
Classification: Uncertain significance for Fanconi anemia complementation group O. Last evaluated: 2023-01-28. Review status: criteria provided, single submitter. Criteria: Invitae Variant Classification Sherloc (09022015). Collection method: clinical testing. Allele origin: germline.
Comment: This sequence change replaces glycine, which is neutral and non-polar, with arginine, which is basic and polar, at codon 3 of the RAD51C protein (p.Gly3Arg). This variant is not present in population databases (gnomAD no frequency). This missense change has been observed in individual(s) with head and neck squamous cell carcinoma, breast cancer and/or ovarian cancer (PMID: 20400964, 24315737, 26976419). ClinVar contains an entry for this variant (Variation ID: 926172). Algorithms developed to predict the effect of missense changes on protein structure and function (SIFT, PolyPhen-2, Align-GVGD) all suggest that this variant is likely to be tolerated. Experimental studies have shown that this missense change does not substantially affect RAD51C function (PMID: 20400964). In summary, the available evidence is currently insufficient to determine the role of this variant in disease. Therefore, it has been classified as a Variant of Uncertain Significance.

Color Diagnostics, LLC DBA Color Health
Classification: Uncertain significance for Hereditary cancer-predisposing syndrome. Last evaluated: 2019-12-19. Review status: criteria provided, single submitter. Criteria: ACMG Guidelines, 2015. Collection method: clinical testing. Allele origin: germline.
Comment: This missense variant replaces glycine with arginine at codon 3 of the RAD51C protein. Splice site prediction tools suggest that this variant may not impact RNA splicing. Functional studies have shown that this variant could complement the survival and formation of RAD51 foci in the RAD51C mutant cells (PMID: 20400964). This variant has been reported in individuals affected with familial breast and/or ovarian cancer (PMID: 20400964) and ovarian cancer (PMID: 26261251). This variant has not been identified in the general population by the Genome Aggregation Database (gnomAD). The available evidence is insufficient to determine the role of this variant in disease conclusively. Therefore, this variant is classified as a Variant of Uncertain Significance.

Literature cited by the submitters: PubMed 37253112 (cited by Ambry Genetics); PubMed 20400964 (cited by Labcorp Genetics (formerly Invitae), Labcorp); PubMed 24315737 (cited by Labcorp Genetics (formerly Invitae), Labcorp); PubMed 26976419 (cited by Labcorp Genetics (formerly Invitae), Labcorp).